The following is an entry in ClinVar:

NM_000719.7(CACNA1C):c.6282C>T (p.Leu2094=)

Genes: CACNA1C (calcium voltage-gated channel subunit alpha1 C; plus strand), CACNA1C-AS1 (CACNA1C antisense RNA 1; minus strand). Cytogenetic location: 12p13.33.
Variant type: single nucleotide variant.
Coding change: c.6282C>T on transcript NM_000719.7 (MANE Select); coding-DNA position 6282, C replaced by T.
Protein change: p.Leu2094=; no amino-acid change (leucine 2094 retained).
Molecular consequence: synonymous variant.
Genome position (GRCh38, 1-based): chr12:2,691,064, C>T. VCF-style: chr12-2691064-C-T. GRCh37 (hg19) VCF-style: chr12-2800230-C-T.
Other names: c.6426C>T, p.Leu2142= (NM_001129827.2); c.6405C>T, p.Leu2135= (NM_001129829.2); c.6387C>T, p.Leu2129= (NM_001129830.3, NM_001167624.3); c.6366C>T, p.Leu2122= (NM_001129831.2); c.6342C>T, p.Leu2114= (NM_001129832.2); c.6339C>T, p.Leu2113= (NM_001129833.2, NM_001129834.2, NM_001129835.2); c.6333C>T, p.Leu2111= (NM_001129836.2); c.6306C>T, p.Leu2102= (NM_001129837.2, NM_001129838.2); and 6 more.
Identifiers: ClinVar variation 2142020 (VCV002142020.6), dbSNP rs1337662531, ClinGen allele CA478088257.

ClinVar aggregate classification (germline): Likely benign. Review status: criteria provided, single submitter (1 of 4 stars). 2 submissions from 2 submitters: Likely benign (1). 1 of the submissions does not count toward it. Last evaluated 2023-05-13.

Conditions:
Long QT syndrome (LQTS). Identifiers: MedGen C0023976, MeSH D008133, MONDO:0002442. Disease mechanism: loss of function. Inheritance: Various modes of inheritance.
CACNA1C-related disorder. Also called: CACNA1C-related disorders; CACNA1C-related condition. Identifiers: MedGen CN381092, MONDO:0700321.

gnomAD v4.1: 6 of 1,609,426 alleles (0.00037%); highest among the groups gnomAD compares: Non-Finnish European, 0.00051%; no homozygotes.

Submissions (2):

Labcorp Genetics (formerly Invitae), Labcorp
Classification: Likely benign for Long QT syndrome. Last evaluated: 2023-05-13. Review status: criteria provided, single submitter. Criteria: Invitae Variant Classification Sherloc (09022015). Collection method: clinical testing. Allele origin: germline.

PreventionGenetics, part of Exact Sciences
Classification: Likely benign for CACNA1C-related condition. Last evaluated: 2022-10-27. Review status: no assertion criteria provided. Collection method: clinical testing. Allele origin: germline. Not counted in ClinVar's aggregate classification.
Comment: This variant is classified as likely benign based on ACMG/AMP sequence variant interpretation guidelines (Richards et al. 2015 PMID: 25741868, with internal and published modifications).